The following is an entry in ClinVar:

ClinVar aggregate classification (germline): Uncertain significance (1 of 4 stars; one submission).

Conditions:
Hereditary cancer-predisposing syndrome. Also called: Hereditary neoplastic syndrome; Neoplastic Syndromes, Hereditary; Tumor predisposition; Hereditary Cancer Syndrome. Identifiers: Orphanet 140162, MedGen C0027672, MeSH D009386, MONDO:0015356.

Submission:

Ambry Genetics
Classification: Uncertain significance for Hereditary cancer-predisposing syndrome. Last evaluated: 2025-08-27. Review status: criteria provided, single submitter. Criteria: Ambry Variant Classification Scheme 2023. Collection method: clinical testing. Allele origin: germline.
Comment: The p.G98V variant (also known as c.293G>T), located in coding exon 3 of the MUTYH gene, results from a G to T substitution at nucleotide position 293. The glycine at codon 98 is replaced by valine, an amino acid with dissimilar properties. This amino acid position is conserved. In addition, the in silico prediction for this alteration is inconclusive. Based on the available evidence, the clinical significance of this variant remains unclear.

NM_001048174.2(MUTYH):c.209G>T (p.Gly70Val)

Gene: MUTYH (mutY DNA glycosylase; minus strand). Cytogenetic location: 1p34.1.
Variant type: single nucleotide variant.
Coding change: c.209G>T on transcript NM_001048174.2 (MANE Select); coding-DNA position 209, G replaced by T.
Protein change: p.Gly70Val; replaces glycine 70 with valine.
Molecular consequence: missense variant. On other transcripts: 5 prime UTR variant (6), non-coding transcript variant (7).
Genome position (GRCh38, 1-based): chr1:45,333,468, C>A on the plus strand (G>T on the coding strand, the complement: MUTYH is on the minus strand). VCF-style: chr1-45333468-C-A. GRCh37 (hg19) VCF-style: chr1-45799140-C-A.
Other names: c.209G>T, p.Gly70Val (NM_001048171.2, NM_001048173.2, NM_001407072.1 and 6 more transcripts); c.212G>T, p.Gly71Val (NM_001048172.2, NM_001407078.1, NM_001407079.1 and 2 more transcripts); c.251G>T, p.Gly84Val (NM_001407073.1, NM_001407083.1, NM_001407085.1); c.125G>T, p.Gly42Val (NM_001407075.1); c.242G>T, p.Gly81Val (NM_001407077.1, NM_001293191.2); c.-63G>T (NM_001407082.1, NM_001350650.2, NM_001350651.2); c.293G>T, p.Gly98Val (NM_001128425.2); c.254G>T, p.Gly85Val (NM_001293190.2); and 3 more; short protein forms G71V, G81V, G85V, G95V, G42V, G77V, G84V, G70V.
Identifiers: ClinVar variation 4113584 (VCV004113584.1).